The following is an entry in ClinVar:

NM_001101362.3(KBTBD13):c.206G>A (p.Arg69Gln)

Gene: KBTBD13 (kelch repeat and BTB domain containing 13; plus strand). Cytogenetic location: 15q22.31.
Variant type: single nucleotide variant.
Coding change: c.206G>A on transcript NM_001101362.3 (MANE Select); coding-DNA position 206, G replaced by A.
Protein change: p.Arg69Gln; replaces arginine 69 with glutamine.
Molecular consequence: missense variant.
Genome position (GRCh38, 1-based): chr15:65,077,021, G>A. VCF-style: chr15-65077021-G-A. GRCh37 (hg19) VCF-style: chr15-65369359-G-A.
Other names: short protein forms R69Q.
Identifiers: ClinVar variation 532994 (VCV000532994.10), dbSNP rs762769253, ClinGen allele CA392858701.
Genomic context (GRCh38, chr15:65,077,021, plus strand): 5'-GCCTGGGCGTTCTGAGCGCGGGAGGTTTCCGCGCCACGCTGCAGGTGCTGCGCGGCGACC[G>A]GCCGGCGCTGGCGGCGGAGGACGAGCTGCTGCAGGCCGTGGAGTGCGCCGCCTTCCTCCA-3'
Protein context (NP_001094832.1, residues 59-79): RATLQVLRGD[Arg69Gln]PALAAEDELL

ClinVar aggregate classification (germline): Uncertain significance (1 of 4 stars; one submission).

Conditions:
Nemaline myopathy 6 (NEM6). Also called: Nemaline myopathy 6, autosomal dominant. Identifiers: Orphanet 171439, MedGen C1836472, MONDO:0012237, OMIM 609273.

Allele frequency attached by ClinVar (database versions not stated): TOPMed 0.00002; gnomAD 0.00001.

Submission:

Labcorp Genetics (formerly Invitae), Labcorp
Classification: Uncertain significance for Nemaline myopathy 6. Last evaluated: 2025-12-03. Review status: criteria provided, single submitter. Criteria: Invitae Variant Classification Sherloc (09022015). Collection method: clinical testing. Allele origin: germline.
Comment: This sequence change replaces arginine, which is basic and polar, with glutamine, which is neutral and polar, at codon 69 of the KBTBD13 protein (p.Arg69Gln). The frequency data for this variant in the population databases is considered unreliable, as metrics indicate poor data quality at this position in the gnomAD database. This variant has not been reported in the literature in individuals affected with KBTBD13-related conditions. ClinVar contains an entry for this variant (Variation ID: 532994). Invitae Evidence Modeling of protein sequence and biophysical properties (such as structural, functional, and spatial information, amino acid conservation, physicochemical variation, residue mobility, and thermodynamic stability) indicates that this missense variant is not expected to disrupt KBTBD13 protein function with a negative predictive value of 80%. In summary, the available evidence is currently insufficient to determine the role of this variant in disease. Therefore, it has been classified as a Variant of Uncertain Significance.